The following is an entry in ClinVar:

NM_001042492.3(NF1):c.950_953dup (p.Glu318fs)

Gene: NF1 (neurofibromin 1; plus strand). Cytogenetic location: 17q11.2.
Variant type: Duplication.
Coding change: c.950_953dup on transcript NM_001042492.3 (MANE Select); coding-DNA positions 950 to 953, 4 bases duplicated (CAGA; older notation c.950_953dupCAGA).
Protein change: p.Glu318fs; shifts the reading frame from glutamic acid 318.
Molecular consequence: frameshift variant.
Genome position (GRCh38, 1-based): chr17:31,200,483-31,200,486, CAGA duplicated; duplicating any 4 consecutive bases within chr17:31,200,481-31,200,486 gives the same sequence; the c. name uses the placement nearest the transcript's 3' end. VCF-style (leftmost placement, unchanged base first): chr17-31200480-T-TGACA. GRCh37 (hg19) VCF-style: chr17-29527498-T-TGACA.
Other names: c.950_953dup, p.Glu318Aspfs (NM_000267.4); c.950_953dup, p.Glu318fs (NM_001128147.3); c.950_953dupCAGA (NM_000267.3); short protein forms E318fs.
Identifiers: ClinVar variation 432551 (VCV000432551.2), dbSNP rs1555610879, ClinGen allele CA645373076.
Genomic context (GRCh38, chr17:31,200,480, plus strand): 5'-AGAAGTTATTTCTGGACAGTCTACGAAAAGCTCTTGCTGGCCATGGAGGAAGTAGGCAGC[T>TGACA]GACAGAAAGTGCTGCAATTGCCTGTGTCAAACTGTGTAAAGCAAGTACTTACATCAATTG-3'

ClinVar aggregate classification (germline): Pathogenic (1 of 4 stars; one submission).

Submission:

GeneDx
Classification: Pathogenic. Last evaluated: 2017-06-14. Review status: criteria provided, single submitter. Criteria: GeneDx Variant Classification (06012015). Collection method: clinical testing. Allele origin: germline. Affected: yes.
Comment: The c.950_953dupCAGA variant has not been published as a pathogenic variant, nor has it been reported as a benign variant to our knowledge. It causes a frameshift starting with codon Glutamic acid 318, changes this amino acid to an Aspartic acid residue and creates a premature Stop codon at position 13 of the new reading frame, denoted p.Glu318AspfsX13. This variant is predicted to cause loss of normal protein function either through protein truncation or nonsense-mediated mRNA decay. The variant is not observed in large population cohorts (Lek et al., 2016; 1000 Genomes Consortium et al., 2015; Exome Variant Server). In summary, we consider this variant to be pathogenic.